The following is an entry in ClinVar:

NM_000493.4(COL10A1):c.1280C>T (p.Ala427Val)

Genes: NT5DC1 (5'-nucleotidase domain containing 1; plus strand), COL10A1 (collagen type X alpha 1 chain; minus strand). Cytogenetic location: 6q22.1.
Variant type: single nucleotide variant.
Coding change: c.1280C>T on transcript NM_000493.4 (MANE Select); coding-DNA position 1280, C replaced by T.
Protein change: p.Ala427Val; replaces alanine 427 with valine.
Molecular consequence: missense variant. On other transcripts: intron variant (1).
Genome position (GRCh38, 1-based): chr6:116,120,836, G>A on the plus strand (C>T on the coding strand, the complement: COL10A1 is on the minus strand). VCF-style: chr6-116120836-G-A. GRCh37 (hg19) VCF-style: chr6-116441999-G-A.
Other names: c.1280C>T, p.Ala427Val (NM_001424106.1, NM_001424107.1); c.529+2891G>A (NM_152729.3); short protein forms A427V.
Identifiers: ClinVar variation 2504322 (VCV002504322.3), dbSNP rs770327915, ClinGen allele CA365388688.
Genomic context (GRCh38, chr6:116,120,836, plus strand): 5'-ATTCCAGGGGCACCTCTTGGGCCAGCCTCTCCATTGTGTCCGGGCATTCCCTTTGCTCCT[G>A]CTGGGCCCACAGGGCCTGGGAGACCAGGAGGTCCTCCAACTCCAGGATCACCTTTTGGAC-3'
Protein context (NP_000484.2, residues 417-437): PPGLPGPVGP[Ala427Val]GAKGMPGHNG

ClinVar aggregate classification (germline): Uncertain significance. Review status: criteria provided, multiple submitters, no conflicts (2 of 4 stars). 2 submissions from 2 submitters: Uncertain significance (2). Last evaluated 2023-05-24.

Conditions:
Inborn genetic diseases. Identifiers: MedGen C0950123, MeSH D030342.

Allele frequency attached by ClinVar (database versions not stated): gnomAD 0.00001.
gnomAD v4.1: 5 of 1,613,844 alleles (0.00031%); highest among the groups gnomAD compares: Non-Finnish European, 0.00042%; no homozygotes.

Submissions (2):

Ambry Genetics
Classification: Uncertain significance for Inborn genetic diseases. Last evaluated: 2023-05-24. Review status: criteria provided, single submitter. Criteria: Ambry Variant Classification Scheme 2023. Collection method: clinical testing. Allele origin: germline.

GeneDx
Classification: Uncertain significance. Last evaluated: 2022-12-01. Review status: criteria provided, single submitter. Criteria: GeneDx Variant Classification Process June 2021. Collection method: clinical testing. Allele origin: germline. Affected: yes.
Comment: Not observed at significant frequency in large population cohorts (gnomAD); In silico analysis supports that this missense variant does not alter protein structure/function; Has not been previously published as pathogenic or benign to our knowledge